The following is an entry in ClinVar:

ClinVar aggregate classification (germline): Pathogenic (1 of 4 stars; one submission).

Conditions:
RPE65-related recessive retinopathy. Also called: Recessive RPE65 retinopathy. Identifiers: MedGen CN305526, MONDO:0100368.

Submission:

Myriad Genetics, Inc.
Classification: Pathogenic for RPE65-related recessive retinopathy. Last evaluated: 2024-05-14. Review status: criteria provided, single submitter. Criteria: Myriad Autosomal Dominant, Autosomal Recessive and X-Linked Classification Criteria (2023). Collection method: clinical testing. Allele origin: unknown.
Comment: NM_000329.2(RPE65):c.194del1ins17(A65Dfs*12) is expected to be pathogenic in the context of inherited retinal dystrophy, RPE65-related. This variant is predicted to lead to an abnormal or absent protein product due to the creation of a premature termination codon in RPE65, a gene where loss-of-function variants are known to be pathogenic. Please note: this variant was assessed in the context of healthy population screening.

NM_000329.3(RPE65):c.194delinsATGTGTATAAGAGACAG (p.Ala65fs)

Gene: RPE65 (retinoid isomerohydrolase RPE65; minus strand). Cytogenetic location: 1p31.3.
Variant type: Indel.
Coding change: c.194delinsATGTGTATAAGAGACAG on transcript NM_000329.3 (MANE Select); coding-DNA position 194, C replaced by ATGTGTATAAGAGACAG.
Protein change: p.Ala65fs; shifts the reading frame from alanine 65.
Molecular consequence: frameshift variant. On other transcripts: 5 prime UTR variant (1), intron variant (1).
Genome position (GRCh38, 1-based): chr1:68,446,761, G replaced by CTGTCTCTTATACACAT on the plus strand (C replaced by ATGTGTATAAGAGACAG on the coding strand, the reverse complement: RPE65 is on the minus strand). VCF-style: chr1-68446761-G-CTGTCTCTTATACACAT. GRCh37 (hg19) VCF-style: chr1-68912444-G-CTGTCTCTTATACACAT.
Other names: c.194delinsATGTGTATAAGAGACAG, p.Ala65fs (NM_001406853.1, NM_001406859.1, NM_001406860.1); c.-83delinsATGTGTATAAGAGACAG (NM_001406857.1); c.-32+1863delinsATGTGTATAAGAGACAG (NM_001406856.1); short protein forms A65fs.
Identifiers: ClinVar variation 5010916 (VCV005010916.1).